The following is an entry in ClinVar:

NM_019098.5(CNGB3):c.1781+1G>T

Gene: CNGB3 (cyclic nucleotide gated channel subunit beta 3; minus strand). Cytogenetic location: 8q21.3.
Variant type: single nucleotide variant.
Coding change: c.1781+1G>T on transcript NM_019098.5 (MANE Select); the canonical splice donor site of the intron after coding-DNA position 1781, G replaced by T.
Molecular consequence: splice donor variant.
Genome position (GRCh38, 1-based): chr8:86,604,092, C>A on the plus strand (G>T on the coding strand, the complement: CNGB3 is on the minus strand). VCF-style: chr8-86604092-C-A. GRCh37 (hg19) VCF-style: chr8-87616320-C-A.
Identifiers: ClinVar variation 810781 (VCV000810781.3), dbSNP rs1375507464, ClinGen allele CA371448976.

ClinVar aggregate classification (germline): Pathogenic (1 of 4 stars; one submission).

Conditions:
Achromatopsia 3 (ACHM3). Also called: ACHROMATOPSIA WITH MYOPIA; PINGELAPESE BLINDNESS; TOTAL COLORBLINDNESS WITH MYOPIA; ROD MONOCHROMACY 1; ROD MONOCHROMATISM 1. Identifiers: Orphanet 49382, MedGen C1849792, MONDO:0009875, OMIM 262300.
Severe early-childhood-onset retinal dystrophy (STGD1). Also called: Stargardt macular dystrophy; Juvenile onset macular degeneration; Stargardt disease 1; MACULAR DYSTROPHY WITH FLECKS, TYPE 1; STGD. Identifiers: Orphanet 364055, Orphanet 827, MedGen C1855465, MeSH D000080362, MONDO:0009549, OMIM 248200.

Submission:

Foundation for Research in Genetics and Endocrinology, FRIGE's Institute of Human Genetics
Classification: Pathogenic for Severe early-childhood-onset retinal dystrophy; Achromatopsia 3. Last evaluated: 2019-09-20. Review status: criteria provided, single submitter. Criteria: ACMG Guidelines, 2015. Collection method: clinical testing. Allele origin: germline. Inheritance: Autosomal recessive inheritance. Affected: yes. Observed: 1 homozygote.
Comment: A homozygous 5' splice site variation in intron 15 of the CNGB3 gene that affects the invariant GT donor splice site of exon 15 was detected. A different nucleotide substitution affecting the same splice site (c.1781+1G>C/ c.1781+1G>A) , has previously been reported in patients affected with achromatopsia (Kohl et al. 2005). The observed variant has not been reported in the 1000 Genomes and ExAC databases. The in silico prediction of the variant is damaging by MutationTaster2. The reference codon is conserved across species. In summary, this variant meets our criteria to be classified as pathogenic.